The following is an entry in ClinVar:

ClinVar aggregate classification (germline): Benign. Review status: reviewed by expert panel (3 of 4 stars). 6 submissions from 6 submitters: Benign (1). 5 of the submissions do not count toward it. Last evaluated 2017-04-18.

Conditions:
HRAS-related disorder. Also called: HRAS-related condition.
Noonan syndrome and Noonan-related syndrome. Identifiers: Orphanet 98733, MedGen C5681679, MONDO:0020297.
RASopathy. Also called: rasopathies; Noonan spectrum disorder. Identifiers: Orphanet 536391, MedGen C5555857, MONDO:0021060.
Costello syndrome (CSTLO). Also called: FACIOCUTANEOSKELETAL SYNDROME; FCS SYNDROME; HRAS-Related Costello Syndrome. Identifiers: Orphanet 3071, MedGen C0587248, MONDO:0009026, OMIM 218040.

Allele frequency attached by ClinVar (database versions not stated): gnomAD 0.00004 and 0.00007; ExAC 0.00008; gnomAD exomes 0.00001 and 0.00008; TOPMed 0.00002; 1000 Genomes Project 30x 0.00047; 1000 Genomes Project 0.00060.

Submissions (6):

ClinGen RASopathy Variant Curation Expert Panel
Classification: Benign for Noonan syndrome and Noonan-related syndrome. Last evaluated: 2017-04-18. Review status: reviewed by expert panel. Criteria: ClinGen RASopathy ACMG Specifications v1. Collection method: curation. Allele origin: germline. Inheritance: Autosomal dominant inheritance.
Comment: The filtering allele frequency of the c.309G>A (p.Val103=) variant in the HRAS gene is 0.063% (10/8640) of East Asian chromosomes by the Exome Aggregation Consortium, which is a high enough frequency to be classified as benign based on thresholds defined by the ClinGen RASopathy Expert Panel (BA1; PMID:29493581)

Labcorp Genetics (formerly Invitae), Labcorp
Classification: Likely benign for Costello syndrome. Last evaluated: 2025-10-20. Review status: criteria provided, single submitter. Criteria: Invitae Variant Classification Sherloc (09022015). Collection method: clinical testing. Allele origin: germline. Not counted in ClinVar's aggregate classification.

Blueprint Genetics
Classification: Likely benign. Last evaluated: 2024-04-22. Review status: criteria provided, single submitter. Criteria: ACMG Guidelines, 2015. Collection method: clinical testing. Allele origin: germline. Not counted in ClinVar's aggregate classification.

Genome Diagnostics Laboratory, The Hospital for Sick Children
Classification: Likely benign for Noonan syndrome and Noonan-related syndrome. Last evaluated: 2016-12-12. Review status: criteria provided, single submitter. Criteria: ACMG Guidelines, 2015. Collection method: clinical testing. Allele origin: germline. Not counted in ClinVar's aggregate classification.

GeneDx
Classification: Benign. Last evaluated: 2015-03-03. Review status: criteria provided, single submitter. Criteria: GeneDx Variant Classification Process June 2021. Collection method: clinical testing. Allele origin: germline. Affected: yes. Not counted in ClinVar's aggregate classification.

PreventionGenetics, part of Exact Sciences
Classification: Benign for HRAS-related condition. Last evaluated: 2021-03-27. Review status: no assertion criteria provided. Collection method: clinical testing. Allele origin: germline. Not counted in ClinVar's aggregate classification.
Comment: This variant is classified as benign based on ACMG/AMP sequence variant interpretation guidelines (Richards et al. 2015 PMID: 25741868, with internal and published modifications).

NM_005343.4(HRAS):c.309G>A (p.Val103=)

Genes: HRAS (HRas proto-oncogene, GTPase; minus strand), LRRC56 (leucine rich repeat containing 56; plus strand). Cytogenetic location: 11p15.5.
Variant type: single nucleotide variant.
Coding change: c.309G>A on transcript NM_005343.4 (MANE Select); coding-DNA position 309, G replaced by A.
Protein change: p.Val103=; no amino-acid change (valine 103 retained).
Molecular consequence: synonymous variant. On other transcripts: 5 prime UTR variant (1).
Genome position (GRCh38, 1-based): chr11:533,594, C>T on the plus strand (G>A on the coding strand, the complement: HRAS is on the minus strand). VCF-style: chr11-533594-C-T. GRCh37 (hg19) VCF-style: chr11-533594-C-T.
Other names: p.V103V; NM_005343.3(HRAS):c.309G>A; c.309G>A, p.Val103= (NM_001130442.3, NM_176795.5); c.-11G>A (NM_001318054.2); c.309G>A (NM_005343.3).
Identifiers: ClinVar variation 40440 (VCV000040440.20), dbSNP rs575789207, ClinGen allele CA5779334.
Genomic context (GRCh38, chr11:533,594, plus strand): 5'-GCGTGCAGCCAGGTCACACTTGTTCCCCACCAGCACCATGGGCACGTCATCCGAGTCCTT[C>T]ACCCGTTTGATCTGCTCCCTGAGAGGTGGAAAGCGAGAGCTGGCTACGGGGGCTGCAGGC-3'
Protein context (NP_005334.1, residues 93-113): IHQYREQIKR[Val103=]KDSDDVPMVL